The following is an entry in ClinVar:

ClinVar aggregate classification (germline): Likely pathogenic (1 of 4 stars; one submission).

Conditions:
Febrile seizures, familial, 8 (FEB8). Also called: CONVULSIONS, FAMILIAL FEBRILE, 8. Identifiers: Orphanet 36387, MedGen C1969810, MONDO:0011891, OMIM 607681.
EPILEPSY, CHILDHOOD ABSENCE, SUSCEPTIBILITY TO, 2 (ECA2). Identifiers: Orphanet 64280, MedGen C1843244, OMIM 607681.

Submission:

Labcorp Genetics (formerly Invitae), Labcorp
Classification: Likely pathogenic for Febrile seizures, familial, 8; EPILEPSY, CHILDHOOD ABSENCE, SUSCEPTIBILITY TO, 2. Last evaluated: 2024-06-21. Review status: criteria provided, single submitter. Criteria: Invitae Variant Classification Sherloc (09022015). Collection method: clinical testing. Allele origin: germline.
Comment: This sequence change replaces arginine, which is basic and polar, with glycine, which is neutral and non-polar, at codon 323 of the GABRG2 protein (p.Arg323Gly). This variant is not present in population databases (gnomAD no frequency). This missense change has been observed in individual(s) with GABRG2-related conditions (Invitae). ClinVar contains an entry for this variant (Variation ID: 946639). Advanced modeling of protein sequence and biophysical properties (such as structural, functional, and spatial information, amino acid conservation, physicochemical variation, residue mobility, and thermodynamic stability) performed at Invitae indicates that this missense variant is expected to disrupt GABRG2 protein function with a positive predictive value of 95%. This variant disrupts the p.Arg323 amino acid residue in GABRG2. Other variant(s) that disrupt this residue have been determined to be pathogenic (PMID: 23708187, 27334371, 27864268, 29100083). This suggests that this residue is clinically significant, and that variants that disrupt this residue are likely to be disease-causing. In summary, the currently available evidence indicates that the variant is pathogenic, but additional data are needed to prove that conclusively. Therefore, this variant has been classified as Likely Pathogenic.

Literature cited by the submitters: PubMed 23708187; PubMed 27334371; PubMed 27864268; PubMed 29100083.

NM_198904.4(GABRG2):c.967C>G (p.Arg323Gly)

Gene: GABRG2 (gamma-aminobutyric acid type A receptor subunit gamma2; plus strand). Cytogenetic location: 5q34.
Variant type: single nucleotide variant.
Coding change: c.967C>G on transcript NM_198904.4 (MANE Select); coding-DNA position 967, C replaced by G.
Protein change: p.Arg323Gly; replaces arginine 323 with glycine.
Molecular consequence: missense variant. On other transcripts: intron variant (1).
Genome position (GRCh38, 1-based): chr5:162,149,152, C>G. VCF-style: chr5-162149152-C-G. GRCh37 (hg19) VCF-style: chr5-161576158-C-G.
Other names: c.967C>G, p.Arg323Gly (NM_000816.3); c.958C>G, p.Arg320Gly (NM_001375339.1); c.1006C>G, p.Arg336Gly (NM_001375344.1); c.901C>G, p.Arg301Gly (NM_001375345.1, NM_001375346.1); c.964C>G, p.Arg322Gly (NM_001375341.1, NM_001375342.1); c.1087C>G, p.Arg363Gly (NM_001375343.1, NM_198903.2); c.880C>G, p.Arg294Gly (NM_001375347.1); c.547C>G, p.Arg183Gly (NM_001375348.1, NM_001375350.1); and 2 more; short protein forms R228G, R301G, R322G, R336G, R294G, R320G, R323G, R183G.
Identifiers: ClinVar variation 946639 (VCV000946639.10), dbSNP rs796052510, ClinGen allele CA362182387.